The following is an entry in ClinVar:

NM_000057.4(BLM):c.2659C>A (p.Pro887Thr)

Gene: BLM (BLM RecQ like helicase; plus strand). Cytogenetic location: 15q26.1.
Variant type: single nucleotide variant.
Coding change: c.2659C>A on transcript NM_000057.4 (MANE Select); coding-DNA position 2659, C replaced by A.
Protein change: p.Pro887Thr; replaces proline 887 with threonine.
Molecular consequence: missense variant.
Genome position (GRCh38, 1-based): chr15:90,782,925, C>A. VCF-style: chr15-90782925-C-A. GRCh37 (hg19) VCF-style: chr15-91326155-C-A.
Other names: c.2659C>A, p.Pro887Thr (NM_001287246.2, NM_001287247.2); c.1534C>A, p.Pro512Thr (NM_001287248.2); short protein forms P512T, P887T.
Identifiers: ClinVar variation 3480815 (VCV003480815.1).
Genomic context (GRCh38, chr15:90,782,925, plus strand): 5'-TTACCGAAAAAGCCTAAAAAGGTGGCATTTGATTGCCTAGAATGGATCAGAAAGCACCAC[C>A]CATGTGAGTACAGCCATGTGATTAGCTGTCTAGAAGTAACAAATGTCTTTTTAGTACCAC-3'
Protein context (NP_000048.1, residues 877-897): DCLEWIRKHH[Pro887Thr]YDSGIIYCLS

ClinVar aggregate classification (germline): Uncertain significance (1 of 4 stars; one submission).

Conditions:
Hereditary cancer-predisposing syndrome. Also called: Tumor predisposition; Neoplastic Syndromes, Hereditary; Hereditary neoplastic syndrome; Hereditary Cancer Syndrome. Identifiers: Orphanet 140162, MedGen C0027672, MeSH D009386, MONDO:0015356.

Submission:

Ambry Genetics
Classification: Uncertain significance for Hereditary cancer-predisposing syndrome. Last evaluated: 2024-08-05. Review status: criteria provided, single submitter. Criteria: Ambry Variant Classification Scheme 2023. Collection method: clinical testing. Allele origin: germline.
Comment: The p.P887T variant (also known as c.2659C>A), located in coding exon 12 of the BLM gene, results from a C to A substitution at nucleotide position 2659. The proline at codon 887 is replaced by threonine, an amino acid with highly similar properties. This amino acid position is highly conserved in available vertebrate species. In addition, the in silico prediction for this alteration is inconclusive. Based on the available evidence, the clinical significance of this variant remains unclear.